The following is an entry in ClinVar:

NM_000492.4(CFTR):c.3625C>A (p.Gln1209Lys)

Genes: CFTR (CF transmembrane conductance regulator; plus strand), CFTR-AS2 (CFTR antisense RNA 2; minus strand). Cytogenetic location: 7q31.2.
Variant type: single nucleotide variant.
Coding change: c.3625C>A on transcript NM_000492.4 (MANE Select); coding-DNA position 3625, C replaced by A.
Protein change: p.Gln1209Lys; replaces glutamine 1209 with lysine.
Molecular consequence: missense variant.
Genome position (GRCh38, 1-based): chr7:117,627,678, C>A. VCF-style: chr7-117627678-C-A. GRCh37 (hg19) VCF-style: chr7-117267732-C-A.
Other names: short protein forms Q1209K.
Identifiers: ClinVar variation 3231895 (VCV003231895.2), dbSNP rs1364895728, ClinGen allele CA368997231.

ClinVar aggregate classification (germline): Uncertain significance (1 of 4 stars; one submission).

Conditions:
Cystic fibrosis (CF). Also called: MUCOVISCIDOSIS. Identifiers: Orphanet 586, MedGen C0010674, MONDO:0009061, OMIM 219700. Disease mechanism: loss of function.

Allele frequency attached by ClinVar (database versions not stated): TOPMed below 0.00001.

Submission:

Ambry Genetics
Classification: Uncertain significance for Cystic fibrosis. Last evaluated: 2025-03-17. Review status: criteria provided, single submitter. Criteria: Ambry Variant Classification Scheme 2023. Collection method: clinical testing. Allele origin: germline.
Comment: The p.Q1209K variant (also known as c.3625C>A), located in coding exon 22 of the CFTR gene, results from a C to A substitution at nucleotide position 3625. The glutamine at codon 1209 is replaced by lysine, an amino acid with similar properties. This amino acid position is conserved. In addition, the in silico prediction for this alteration is inconclusive. Since supporting evidence is limited at this time, the clinical significance of this alteration remains unclear.